The following is an entry in ClinVar:

ClinVar aggregate classification (germline): Likely benign. Review status: criteria provided, multiple submitters, no conflicts (2 of 4 stars). 2 submissions from 2 submitters: Likely benign (2). Last evaluated 2024-11-09.

Conditions:
PDE6C-related disorder. Also called: PDE6C-related condition.

Allele frequency attached by ClinVar (database versions not stated): TOPMed below 0.00001; gnomAD 0.00001.
gnomAD v4.1: 30 of 1,608,566 alleles (0.0019%); highest among the groups gnomAD compares: South Asian, 0.014%; 1 homozygote.

Submissions (2):

PreventionGenetics, part of Exact Sciences
Classification: Likely benign for PDE6C-related condition. Last evaluated: 2024-11-09. Review status: criteria provided, single submitter. Criteria: ACMG Guidelines, 2015. Collection method: clinical testing. Allele origin: germline.
Comment: This variant is classified as likely benign based on ACMG/AMP sequence variant interpretation guidelines (Richards et al. 2015 PMID: 25741868, with internal and published modifications).

Labcorp Genetics (formerly Invitae), Labcorp
Classification: Likely benign. Last evaluated: 2024-08-09. Review status: criteria provided, single submitter. Criteria: Invitae Variant Classification Sherloc (09022015). Collection method: clinical testing. Allele origin: germline.

NM_006204.4(PDE6C):c.1995C>T (p.Phe665=)

Gene: PDE6C (phosphodiesterase 6C; plus strand). Cytogenetic location: 10q23.33.
Variant type: single nucleotide variant.
Coding change: c.1995C>T on transcript NM_006204.4 (MANE Select); coding-DNA position 1995, C replaced by T.
Protein change: p.Phe665=; no amino-acid change (phenylalanine 665 retained).
Molecular consequence: synonymous variant.
Genome position (GRCh38, 1-based): chr10:93,655,819, C>T. VCF-style: chr10-93655819-C-T. GRCh37 (hg19) VCF-style: chr10-95415576-C-T.
Other names: c.1995C>T (NM_006204.3).
Identifiers: ClinVar variation 1129953 (VCV001129953.10), dbSNP rs764148537, ClinGen allele CA5610362.
Genomic context (GRCh38, chr10:93,655,819, plus strand): 5'-GAGTTTAAACATCTTCCAGAACCTAAATAAGCGGCAGTTTGAAACAGTTATTCATTTGTT[C>T]GAGGTCGCAATAATAGCAACTGACCTGGCTTTATATTTCAAGTAAGTACATAACTCTGCA-3'
Protein context (NP_006195.3, residues 655-675): KRQFETVIHL[Phe665=]EVAIIATDLA